The following is an entry in ClinVar:

ClinVar aggregate classification (germline): Likely pathogenic. Review status: criteria provided, multiple submitters, no conflicts (2 of 4 stars). 2 submissions from 2 submitters: Likely pathogenic (2). Last evaluated 2025-12-08.

Conditions:
Hereditary cancer-predisposing syndrome. Also called: Tumor predisposition; Hereditary neoplastic syndrome; Neoplastic Syndromes, Hereditary; Hereditary Cancer Syndrome. Identifiers: Orphanet 140162, MedGen C0027672, MeSH D009386, MONDO:0015356.

Submissions (2):

Labcorp Genetics (formerly Invitae), Labcorp
Classification: Likely pathogenic. Last evaluated: 2025-12-08. Review status: criteria provided, single submitter. Criteria: Invitae Variant Classification Sherloc (09022015). Collection method: clinical testing. Allele origin: germline.
Comment: This sequence change replaces glycine, which is neutral and non-polar, with serine, which is neutral and polar, at codon 280 of the FH protein (p.Gly280Ser). This variant is not present in population databases (gnomAD no frequency). This missense change has been observed in individual(s) with hereditary leiomyomatosis and renal cell cancer (internal data). ClinVar contains an entry for this variant (Variation ID: 858011). Invitae Evidence Modeling of protein sequence and biophysical properties (such as structural, functional, and spatial information, amino acid conservation, physicochemical variation, residue mobility, and thermodynamic stability) indicates that this missense variant is expected to disrupt FH protein function with a positive predictive value of 95%. This variant disrupts the p.Gly280 amino acid residue in FH. Other variant(s) that disrupt this residue have been determined to be pathogenic (internal data). This suggests that this residue is clinically significant, and that variants that disrupt this residue are likely to be disease-causing. In summary, the currently available evidence indicates that the variant is pathogenic, but additional data are needed to prove that conclusively. Therefore, this variant has been classified as Likely Pathogenic.

Ambry Genetics
Classification: Likely pathogenic for Hereditary cancer-predisposing syndrome. Last evaluated: 2024-04-09. Review status: criteria provided, single submitter. Criteria: Ambry Variant Classification Scheme 2023. Collection method: clinical testing. Allele origin: germline.
Comment: The p.G280S variant (also known as c.838G>A), located in coding exon 6 of the FH gene, results from a G to A substitution at nucleotide position 838. The glycine at codon 280 is replaced by serine, an amino acid with similar properties. This variant has been observed in at least one individual with a personal and/or family history that is consistent with Hereditary leiomyomatosis and renal cell cancer (Ambry internal data). This amino acid position is highly conserved in available vertebrate species. In addition, this alteration is predicted to be deleterious by in silico analysis. This variant is considered to be rare based on population cohorts in the Genome Aggregation Database (gnomAD). Based on the majority of available evidence to date, this variant is likely to be pathogenic.

NM_000143.4(FH):c.838G>A (p.Gly280Ser)

Gene: FH (fumarate hydratase; minus strand). Cytogenetic location: 1q43.
Variant type: single nucleotide variant.
Coding change: c.838G>A on transcript NM_000143.4 (MANE Select); coding-DNA position 838, G replaced by A.
Protein change: p.Gly280Ser; replaces glycine 280 with serine.
Molecular consequence: missense variant.
Genome position (GRCh38, 1-based): chr1:241,506,069, C>T on the plus strand (G>A on the coding strand, the complement: FH is on the minus strand). VCF-style: chr1-241506069-C-T. GRCh37 (hg19) VCF-style: chr1-241669369-C-T.
Other names: short protein forms G280S.
Identifiers: ClinVar variation 858011 (VCV000858011.11), dbSNP rs1659921742, ClinGen allele CA345438921.
Genomic context (GRCh38, chr1:241,506,069, plus strand): 5'-GTGCAGCCACTTTTGCAGCAACCTTTTCTGCAAAGCCAATTCTAGTATTTAAACCTGTAC[C>T]AACAGCAGTGCCTCCAGCTGCGAGCTCATAGATTCTTGGCATGGCAGCTTTTATTCTTGT-3'
Protein context (NP_000134.2, residues 270-290): YELAAGGTAV[Gly280Ser]TGLNTRIGFA